The following is an entry in ClinVar:

ClinVar aggregate classification (germline): Uncertain significance (1 of 4 stars; one submission).

Allele frequency attached by ClinVar (database versions not stated): gnomAD exomes below 0.00001.

Submission:

Labcorp Genetics (formerly Invitae), Labcorp
Classification: Uncertain significance. Last evaluated: 2022-10-05. Review status: criteria provided, single submitter. Criteria: Invitae Variant Classification Sherloc (09022015). Collection method: clinical testing. Allele origin: germline.
Comment: In summary, the available evidence is currently insufficient to determine the role of this variant in disease. Therefore, it has been classified as a Variant of Uncertain Significance. Advanced modeling of protein sequence and biophysical properties (such as structural, functional, and spatial information, amino acid conservation, physicochemical variation, residue mobility, and thermodynamic stability) performed at Invitae indicates that this missense variant is not expected to disrupt ATP8A2 protein function. This variant has not been reported in the literature in individuals affected with ATP8A2-related conditions. This variant is not present in population databases (gnomAD no frequency). This sequence change replaces serine, which is neutral and polar, with proline, which is neutral and non-polar, at codon 524 of the ATP8A2 protein (p.Ser524Pro).

NM_016529.6(ATP8A2):c.1570T>C (p.Ser524Pro)

Gene: ATP8A2 (ATPase phospholipid transporting 8A2). Cytogenetic location: 13q12.13.
Variant type: single nucleotide variant.
Coding change: c.1570T>C on transcript NM_016529.6 (MANE Select); coding-DNA position 1570, T replaced by C.
Protein change: p.Ser524Pro; replaces serine 524 with proline.
Molecular consequence: missense variant.
Genome position (GRCh38, 1-based): chr13:25,570,863, T>C. VCF-style: chr13-25570863-T-C. GRCh37 (hg19) VCF-style: chr13-26145001-T-C.
Other names: c.1450T>C, p.Ser484Pro (NM_001313741.1); c.1570T>C, p.Ser524Pro (NM_001411005.1, NM_001411006.1); short protein forms S484P, S524P.
Identifiers: ClinVar variation 2120272 (VCV002120272.4), dbSNP rs2542424446, ClinGen allele CA387614206.